The following is an entry in ClinVar:

ClinVar aggregate classification (germline): Pathogenic (1 of 4 stars; one submission).

Conditions:
Developmental and epileptic encephalopathy, 2 (DEE2). Also called: INFANTILE SPASM SYNDROME, X-LINKED 2; CDKL5 deficiency disorder. Identifiers: Orphanet 1934, Orphanet 3451, Orphanet 505652, MedGen C4750718, MONDO:0010396, OMIM 300672.
Angelman syndrome-like. Identifiers: MedGen CN128785.

Submission:

Labcorp Genetics (formerly Invitae), Labcorp
Classification: Pathogenic for Developmental and epileptic encephalopathy, 2; Angelman syndrome-like. Last evaluated: 2023-03-08. Review status: criteria provided, single submitter. Criteria: Invitae Variant Classification Sherloc (09022015). Collection method: clinical testing. Allele origin: germline.
Comment: For these reasons, this variant has been classified as Pathogenic. This variant disrupts a region of the CDKL5 protein in which other variant(s) (p.Leu879Glufs*30) have been determined to be pathogenic (PMID: 15689447, 18790821, 22678952). This suggests that this is a clinically significant region of the protein, and that variants that disrupt it are likely to be disease-causing. This variant has not been reported in the literature in individuals affected with CDKL5-related conditions. This variant is not present in population databases (gnomAD no frequency). This sequence change creates a premature translational stop signal (p.His844Thrfs*66) in the CDKL5 gene. However, it is currently unclear if variants that occur in this region of the gene cause disease.

Literature cited by the submitters: PubMed 15689447; PubMed 18790821; PubMed 22678952.

NM_001323289.2(CDKL5):c.2529dup (p.His844fs)

Gene: CDKL5 (cyclin dependent kinase like 5; plus strand). Cytogenetic location: Xp22.13.
Variant type: Duplication.
Coding change: c.2529dup on transcript NM_001323289.2 (MANE Select); coding-DNA position 2529, one base duplicated (A; older notation c.2529dupA).
Protein change: p.His844fs; shifts the reading frame from histidine 844.
Molecular consequence: frameshift variant.
Genome position (GRCh38, 1-based): chrX:18,628,403, A duplicated. VCF-style (leftmost placement, unchanged base first): chrX-18628402-T-TA. GRCh37 (hg19) VCF-style: chrX-18646522-T-TA.
Other names: c.2529dup, p.His844fs (NM_001037343.2, NM_003159.3); short protein forms H844fs.
Identifiers: ClinVar variation 2945099 (VCV002945099.3), dbSNP rs2518898617, ClinGen allele CA2740092046.